The following is an entry in ClinVar:

ClinVar aggregate classification (germline): Conflicting classifications of pathogenicity. Review status: criteria provided, conflicting classifications (1 of 4 stars). 4 submissions from 4 submitters: Likely pathogenic (1); Uncertain significance (3). Last evaluated 2025-04-22.

Conditions:
Inborn genetic diseases. Identifiers: MedGen C0950123, MeSH D030342.

Allele frequency attached by ClinVar (database versions not stated): TOPMed 0.00011; gnomAD 0.00014 and 0.00016; ExAC 0.00015; 1000 Genomes Project 30x 0.00016; gnomAD exomes 0.00016 and 0.00022; 1000 Genomes Project 0.00020; ESP Exome Variant Server 0.00023.
gnomAD v4.1: 347 of 1,613,748 alleles (0.022%); highest among the groups gnomAD compares: South Asian, 0.027%; 1 homozygote.

Submissions (4):

Mayo Clinic Laboratories, Mayo Clinic
Classification: Likely pathogenic. Last evaluated: 2025-04-22. Review status: criteria provided, single submitter. Criteria: ACMG Guidelines, 2015. Collection method: clinical testing. Allele origin: germline. Observed: 1 variant allele.
Comment: PP3_strong, PM5

Labcorp Genetics (formerly Invitae), Labcorp
Classification: Uncertain significance. Last evaluated: 2024-12-09. Review status: criteria provided, single submitter. Criteria: Invitae Variant Classification Sherloc (09022015). Collection method: clinical testing. Allele origin: germline.
Comment: This sequence change replaces arginine, which is basic and polar, with cysteine, which is neutral and slightly polar, at codon 240 of the HPS5 protein (p.Arg240Cys). This variant is present in population databases (rs181011884, gnomAD 0.04%). This variant has not been reported in the literature in individuals affected with HPS5-related conditions. ClinVar contains an entry for this variant (Variation ID: 1404234). An algorithm developed to predict the effect of missense changes on protein structure and function (PolyPhen-2) suggests that this variant is likely to be disruptive. In summary, the available evidence is currently insufficient to determine the role of this variant in disease. Therefore, it has been classified as a Variant of Uncertain Significance.

Blueprint Genetics
Classification: Uncertain significance. Last evaluated: 2024-05-28. Review status: criteria provided, single submitter. Criteria: ACMG Guidelines, 2015. Collection method: clinical testing. Allele origin: germline.

Ambry Genetics
Classification: Uncertain significance for Inborn genetic diseases. Last evaluated: 2021-08-23. Review status: criteria provided, single submitter. Criteria: Ambry Variant Classification Scheme 2023. Collection method: clinical testing. Allele origin: germline.

NM_181507.2(HPS5):c.718C>T (p.Arg240Cys)

Gene: HPS5 (HPS5 biogenesis of lysosomal organelles complex 2 subunit 2; minus strand). Cytogenetic location: 11p15.1.
Variant type: single nucleotide variant.
Coding change: c.718C>T on transcript NM_181507.2 (MANE Select); coding-DNA position 718, C replaced by T.
Protein change: p.Arg240Cys; replaces arginine 240 with cysteine.
Molecular consequence: missense variant.
Genome position (GRCh38, 1-based): chr11:18,306,241, G>A on the plus strand (C>T on the coding strand, the complement: HPS5 is on the minus strand). VCF-style: chr11-18306241-G-A. GRCh37 (hg19) VCF-style: chr11-18327788-G-A.
Other names: p.Arg240Cys; c.376C>T, p.Arg126Cys (NM_007216.4, NM_181508.2); short protein forms R240C, R126C.
Identifiers: ClinVar variation 1404234 (VCV001404234.7), dbSNP rs181011884, ClinGen allele CA5910361.